The following is an entry in ClinVar:

NM_001267550.2(TTN):c.60027C>T (p.Ile20009=)

Genes: TTN-AS1 (TTN antisense RNA 1; plus strand), TTN (titin; minus strand), LOC126806424 (CDK7 strongly-dependent group 2 enhancer GRCh37_chr2:179456337-179457536; plus strand). Cytogenetic location: 2q31.2.
Variant type: single nucleotide variant.
Coding change: c.60027C>T on transcript NM_001267550.2 (MANE Select); coding-DNA position 60027, C replaced by T.
Protein change: p.Ile20009=; no amino-acid change (isoleucine 20009 retained).
Molecular consequence: synonymous variant.
Genome position (GRCh38, 1-based): chr2:178,591,792, G>A on the plus strand (C>T on the coding strand, the complement: TTN is on the minus strand). VCF-style: chr2-178591792-G-A. GRCh37 (hg19) VCF-style: chr2-179456519-G-A.
Other names: c.55104C>T, p.Ile18368= (NM_001256850.1); c.32832C>T, p.Ile10944= (NM_003319.4); c.52323C>T, p.Ile17441= (NM_133378.4); c.33207C>T, p.Ile11069= (NM_133432.3); c.33408C>T, p.Ile11136= (NM_133437.4).
Identifiers: ClinVar variation 701463 (VCV000701463.35), dbSNP rs368279024, ClinGen allele CA60970173.

ClinVar aggregate classification (germline): Likely benign. Review status: criteria provided, multiple submitters, no conflicts (2 of 4 stars). 7 submissions from 7 submitters: Likely benign (7). Last evaluated 2025-12-21.

Conditions:
Cardiovascular phenotype. Identifiers: MedGen CN230736.
Autosomal recessive limb-girdle muscular dystrophy type 2J (LGMDR10). Also called: Limb-girdle muscular dystrophy, type 2J; MUSCULAR DYSTROPHY, LIMB-GIRDLE, AUTOSOMAL RECESSIVE 10. Identifiers: Orphanet 140922, MedGen C1837342, MONDO:0012127, OMIM 608807.
Dilated cardiomyopathy 1G (CMD1G). Identifiers: Orphanet 154, MedGen C1858763, MONDO:0011400, OMIM 604145.
Tibial muscular dystrophy (TMD). Also called: UDD MYOPATHY; Tibial muscular dystrophy, tardive; Udd Distal Myopathy – Tibial Muscular Dystrophy. Identifiers: Orphanet 609, MedGen C1838244, MONDO:0010870, OMIM 600334.
Early-onset myopathy with fatal cardiomyopathy (CMYO5). Also called: Salih Myopathy; CONGENITAL MYOPATHY 5 WITH CARDIOMYOPATHY. Identifiers: Orphanet 289377, MedGen C2673677, MONDO:0012714, OMIM 611705. Disease mechanism: loss of function.
Myopathy, myofibrillar, 9, with early respiratory failure (MFM9). Also called: Hereditary myopathy with early respiratory failure; Myopathy, distal, with early respiratory failure, autosomal dominant; MYOPATHY, PROXIMAL, WITH EARLY RESPIRATORY MUSCLE INVOLVEMENT; EDSTROM MYOPATHY. Identifiers: Orphanet 178464, Orphanet 34521, MedGen C1863599, MONDO:0011362, OMIM 603689.
Hypertrophic cardiomyopathy 9. Also called: Familial hypertrophic cardiomyopathy 9. Identifiers: MedGen C1861065, MONDO:0013412, OMIM 613765.
Cardiomyopathy (CMYO). Also called: Cardiomyopathies. Identifiers: Orphanet 167848, MedGen C0878544, MONDO:0004994, HP:0001638. Inheritance: Various modes of inheritance.

Allele frequency attached by ClinVar (database versions not stated): gnomAD 0.00001; gnomAD exomes 0.00001 and 0.00003; TOPMed 0.00001; ESP Exome Variant Server 0.00008.
gnomAD v4.1: 49 of 1,613,162 alleles (0.003%); highest among the groups gnomAD compares: Non-Finnish European, 0.0039%; no homozygotes.

Submissions (7):

Labcorp Genetics (formerly Invitae), Labcorp
Classification: Likely benign for Dilated cardiomyopathy 1G; Autosomal recessive limb-girdle muscular dystrophy type 2J. Last evaluated: 2025-12-21. Review status: criteria provided, single submitter. Criteria: Invitae Variant Classification Sherloc (09022015). Collection method: clinical testing. Allele origin: germline.

Blueprint Genetics
Classification: Likely benign. Last evaluated: 2024-07-24. Review status: criteria provided, single submitter. Criteria: ACMG Guidelines, 2015. Collection method: clinical testing. Allele origin: germline.

CeGaT Center for Human Genetics Tuebingen
Classification: Likely benign. Last evaluated: 2024-07-01. Review status: criteria provided, single submitter. Criteria: CeGaT Center For Human Genetics Tuebingen Variant Classification Criteria Version 2. Collection method: clinical testing. Allele origin: germline. Affected: yes. Observed: 1 variant allele.
Comment: TTN: BP4, BP7

Ambry Genetics
Classification: Likely benign for Cardiovascular phenotype. Last evaluated: 2022-06-09. Review status: criteria provided, single submitter. Criteria: Ambry Variant Classification Scheme 2023. Collection method: clinical testing. Allele origin: germline.

Fulgent Genetics
Classification: Likely benign for Tibial muscular dystrophy; Myopathy, myofibrillar, 9, with early respiratory failure; Dilated cardiomyopathy 1G; Autosomal recessive limb-girdle muscular dystrophy type 2J; Early-onset myopathy with fatal cardiomyopathy; Hypertrophic cardiomyopathy 9. Last evaluated: 2021-10-28. Review status: criteria provided, single submitter. Criteria: ACMG Guidelines, 2015. Collection method: clinical testing. Allele origin: unknown.

GeneDx
Classification: Likely benign. Last evaluated: 2019-10-31. Review status: criteria provided, single submitter. Criteria: GeneDx Variant Classification Process June 2021. Collection method: clinical testing. Allele origin: germline. Affected: yes.

CHEO Genetics Diagnostic Laboratory, Children's Hospital of Eastern Ontario
Classification: Likely benign for Cardiomyopathy. Last evaluated: 2018-03-05. Review status: criteria provided, single submitter. Criteria: ACMG Guidelines, 2015. Collection method: clinical testing. Allele origin: germline.